The following is an entry in ClinVar:

ClinVar aggregate classification (germline): Uncertain significance (1 of 4 stars; one submission).

Conditions:
Neuropathy, hereditary sensory and autonomic, type 2A (HSAN2A). Also called: MORVAN DISEASE; NEUROPATHY, CONGENITAL SENSORY; NEUROPATHY, HEREDITARY SENSORY RADICULAR, AUTOSOMAL RECESSIVE; NEUROPATHY, HEREDITARY SENSORY, TYPE IIA; NEUROPATHY, PROGRESSIVE SENSORY, OF CHILDREN; ACROOSTEOLYSIS, GIACCAI TYPE. Identifiers: Orphanet 970, MedGen C2752089, MONDO:0024309, OMIM 201300.
Generalized epilepsy with febrile seizures plus, type 7 (GEFSP7). Also called: GEFS+, TYPE 7. Identifiers: Orphanet 36387, MedGen C2751778, MONDO:0013470, OMIM 613863.

Submission:

Labcorp Genetics (formerly Invitae), Labcorp
Classification: Uncertain significance for Neuropathy, hereditary sensory and autonomic, type 2A; Generalized epilepsy with febrile seizures plus, type 7. Last evaluated: 2024-04-02. Review status: criteria provided, single submitter. Criteria: Invitae Variant Classification Sherloc (09022015). Collection method: clinical testing. Allele origin: germline.
Comment: This sequence change replaces asparagine, which is neutral and polar, with lysine, which is basic and polar, at codon 1860 of the SCN9A protein (p.Asn1860Lys). This variant is not present in population databases (gnomAD no frequency). This variant has not been reported in the literature in individuals affected with SCN9A-related conditions. Advanced modeling of protein sequence and biophysical properties (such as structural, functional, and spatial information, amino acid conservation, physicochemical variation, residue mobility, and thermodynamic stability) performed at Invitae indicates that this missense variant is not expected to disrupt SCN9A protein function with a negative predictive value of 80%. In summary, the available evidence is currently insufficient to determine the role of this variant in disease. Therefore, it has been classified as a Variant of Uncertain Significance.

NM_001365536.1(SCN9A):c.5613T>A (p.Asn1871Lys)

Genes: SCN1A-AS1 (SCN1A and SCN9A antisense RNA 1; plus strand), SCN9A (sodium voltage-gated channel alpha subunit 9; minus strand). Cytogenetic location: 2q24.3.
Variant type: single nucleotide variant.
Coding change: c.5613T>A on transcript NM_001365536.1 (MANE Select); coding-DNA position 5613, T replaced by A.
Protein change: p.Asn1871Lys; replaces asparagine 1871 with lysine.
Molecular consequence: missense variant.
Genome position (GRCh38, 1-based): chr2:166,199,026, A>T on the plus strand (T>A on the coding strand, the complement: SCN9A is on the minus strand). VCF-style: chr2-166199026-A-T. GRCh37 (hg19) VCF-style: chr2-167055536-A-T.
Other names: c.5580T>A, p.Asn1860Lys (NM_002977.4); short protein forms N1860K, N1871K.
Identifiers: ClinVar variation 3755639 (VCV003755639.2).